The following is an entry in ClinVar:

NM_000289.6(PFKM):c.1653+2T>G

Gene: PFKM (phosphofructokinase, muscle; plus strand). Cytogenetic location: 12q13.11.
Variant type: single nucleotide variant.
Coding change: c.1653+2T>G on transcript NM_000289.6 (MANE Select); the canonical splice donor site of the intron after coding-DNA position 1653, T replaced by G.
Molecular consequence: splice donor variant.
Genome position (GRCh38, 1-based): chr12:48,142,068, T>G. VCF-style: chr12-48142068-T-G. GRCh37 (hg19) VCF-style: chr12-48535851-T-G.
Other names: c.1677+2T>G (NM_001354741.2); c.1653+2T>G (NM_001354742.2, NM_001354743.2, NM_001354744.2 and 2 more transcripts); c.1503+2T>G (NM_001354747.2, NM_001354748.2); c.1866+2T>G (NM_001166686.2, NM_001354737.1, NM_001354739.1 and 1 more transcripts); c.1962+2T>G (NM_001354736.1, NM_001354735.1); c.1797+2T>G (NM_001354740.1); c.1566+2T>G (NM_001354745.2); c.1527+2T>G (NM_001354746.2); and 1 more.
Identifiers: ClinVar variation 2809973 (VCV002809973.3), dbSNP rs2498583246, ClinGen allele CA384553425.

ClinVar aggregate classification (germline): Likely pathogenic (1 of 4 stars; one submission).

Conditions:
Glycogen storage disease, type VII (GSD7). Also called: GSD VII; MUSCLE PHOSPHOFRUCTOKINASE DEFICIENCY; PFKM DEFICIENCY; TARUI DISEASE. Identifiers: Orphanet 371, MedGen C0017926, MONDO:0009295, OMIM 232800.

Allele frequency attached by ClinVar (database versions not stated): gnomAD exomes below 0.00001.
gnomAD v4.1: 3 of 1,614,018 alleles (0.00019%); highest among the groups gnomAD compares: Non-Finnish European, 0.00025%; no homozygotes.

Submission:

Labcorp Genetics (formerly Invitae), Labcorp
Classification: Likely pathogenic for Glycogen storage disease, type VII. Last evaluated: 2022-10-27. Review status: criteria provided, single submitter. Criteria: Invitae Variant Classification Sherloc (09022015). Collection method: clinical testing. Allele origin: germline.
Comment: In summary, the currently available evidence indicates that the variant is pathogenic, but additional data are needed to prove that conclusively. Therefore, this variant has been classified as Likely Pathogenic. Algorithms developed to predict the effect of sequence changes on RNA splicing suggest that this variant may disrupt the consensus splice site. This variant has not been reported in the literature in individuals affected with PFKM-related conditions. This variant is not present in population databases (gnomAD no frequency). This sequence change affects a donor splice site in intron 17 of the PFKM gene. It is expected to disrupt RNA splicing. Variants that disrupt the donor or acceptor splice site typically lead to a loss of protein function (PMID: 16199547), and loss-of-function variants in PFKM are known to be pathogenic (PMID: 7825568, 8037209).

Literature cited by the submitters: PubMed 16199547; PubMed 7825568; PubMed 8037209.